The following is an entry in ClinVar:

ClinVar aggregate classification (germline): Conflicting classifications of pathogenicity. Review status: criteria provided, conflicting classifications (1 of 4 stars). 6 submissions from 6 submitters: Uncertain significance (1); Likely benign (4). 1 of the submissions does not count toward it. Last evaluated 2025-11-19.

Conditions:
SEC24D-related disorder. Also called: SEC24D-related condition.
Cole-Carpenter syndrome 2 (CLCRP2). Identifiers: Orphanet 2050, MedGen C4225382, MONDO:0014573, OMIM 616294.
Inborn genetic diseases. Identifiers: MedGen C0950123, MeSH D030342.

Allele frequency attached by ClinVar (database versions not stated): gnomAD exomes 0.00010 and 0.00029; ExAC 0.00026; 1000 Genomes Project 30x 0.00031; 1000 Genomes Project 0.00040; gnomAD 0.00101 and 0.00116; ESP Exome Variant Server 0.00138.
gnomAD v4.1: 304 of 1,613,824 alleles (0.019%); highest among the groups gnomAD compares: African/African-American, 0.36%; 1 homozygote.

Submissions (6):

Labcorp Genetics (formerly Invitae), Labcorp
Classification: Likely benign. Last evaluated: 2025-11-19. Review status: criteria provided, single submitter. Criteria: Invitae Variant Classification Sherloc (09022015). Collection method: clinical testing. Allele origin: germline.

Ambry Genetics
Classification: Uncertain significance for Inborn genetic diseases. Last evaluated: 2022-08-01. Review status: criteria provided, single submitter. Criteria: Ambry Variant Classification Scheme 2023. Collection method: clinical testing. Allele origin: germline.

ARUP Laboratories, Molecular Genetics and Genomics, ARUP Laboratories
Classification: Likely benign for Cole-Carpenter syndrome 2. Last evaluated: 2021-07-08. Review status: criteria provided, single submitter. Criteria: ARUP Molecular Germline Variant Investigation Process 2021. Collection method: clinical testing. Allele origin: germline.

GeneDx
Classification: Likely benign. Last evaluated: 2021-01-27. Review status: criteria provided, single submitter. Criteria: GeneDx Variant Classification Process June 2021. Collection method: clinical testing. Allele origin: germline. Affected: yes.

Breakthrough Genomics
Classification: Likely benign. Review status: criteria provided, single submitter. Criteria: ACMG Guidelines, 2015. Collection method: not provided. Allele origin: germline. Inheritance: Autosomal recessive inheritance. Affected: yes.

PreventionGenetics, part of Exact Sciences
Classification: Likely benign for SEC24D-related condition. Last evaluated: 2022-06-27. Review status: no assertion criteria provided. Collection method: clinical testing. Allele origin: germline. Not counted in ClinVar's aggregate classification.
Comment: This variant is classified as likely benign based on ACMG/AMP sequence variant interpretation guidelines (Richards et al. 2015 PMID: 25741868, with internal and published modifications).

NM_014822.4(SEC24D):c.2681C>T (p.Thr894Met)

Gene: SEC24D (SEC24 homolog D, COPII component; minus strand). Cytogenetic location: 4q26.
Variant type: single nucleotide variant.
Coding change: c.2681C>T on transcript NM_014822.4 (MANE Select); coding-DNA position 2681, C replaced by T.
Protein change: p.Thr894Met; replaces threonine 894 with methionine.
Molecular consequence: missense variant.
Genome position (GRCh38, 1-based): chr4:118,731,503, G>A on the plus strand (C>T on the coding strand, the complement: SEC24D is on the minus strand). VCF-style: chr4-118731503-G-A. GRCh37 (hg19) VCF-style: chr4-119652658-G-A.
Other names: c.2684C>T, p.Thr895Met (NM_001318066.2); c.2681C>T (NM_014822.2); short protein forms T894M, T895M.
Identifiers: ClinVar variation 1080663 (VCV001080663.21), dbSNP rs149063473, ClinGen allele CA3056895.